The following is an entry in ClinVar:

ClinVar aggregate classification (germline): Uncertain significance (1 of 4 stars; one submission).

Submission:

Labcorp Genetics (formerly Invitae), Labcorp
Classification: Uncertain significance. Last evaluated: 2025-12-02. Review status: criteria provided, single submitter. Criteria: Invitae Variant Classification Sherloc (09022015). Collection method: clinical testing. Allele origin: germline.
Comment: This sequence change replaces arginine, which is basic and polar, with leucine, which is neutral and non-polar, at codon 37 of the ALAS2 protein (p.Arg37Leu). This variant is not present in population databases (gnomAD no frequency). This variant has not been reported in the literature in individuals affected with ALAS2-related conditions. Invitae Evidence Modeling of protein sequence and biophysical properties (such as structural, functional, and spatial information, amino acid conservation, physicochemical variation, residue mobility, and thermodynamic stability) indicates that this missense variant is expected to disrupt ALAS2 protein function with a positive predictive value of 95%. In summary, the available evidence is currently insufficient to determine the role of this variant in disease. Therefore, it has been classified as a Variant of Uncertain Significance.

NM_000032.5(ALAS2):c.110G>T (p.Arg37Leu)

Genes: ALAS2 (5'-aminolevulinate synthase 2; minus strand), LOC108663984 (ALAS2 intron 1 and 3 erythroid regulatory elements; plus strand). Cytogenetic location: Xp11.21.
Variant type: single nucleotide variant.
Coding change: c.110G>T on transcript NM_000032.5 (MANE Select); coding-DNA position 110, G replaced by T.
Protein change: p.Arg37Leu; replaces arginine 37 with leucine.
Molecular consequence: missense variant.
Genome position (GRCh38, 1-based): chrX:55,025,891, C>A on the plus strand (G>T on the coding strand, the complement: ALAS2 is on the minus strand). VCF-style: chrX-55025891-C-A. GRCh37 (hg19) VCF-style: chrX-55052324-C-A.
Other names: c.110G>T, p.Arg37Leu (NM_001037967.4); c.182G>T, p.Arg61Leu (NM_001037968.4); short protein forms R61L, R37L.
Identifiers: ClinVar variation 4741838 (VCV004741838.1).